The following is an entry in ClinVar:

NM_004973.4(JARID2):c.2323A>G (p.Lys775Glu)

Gene: JARID2 (jumonji and AT-rich interaction domain containing 2; plus strand). Cytogenetic location: 6p22.3.
Variant type: single nucleotide variant.
Coding change: c.2323A>G on transcript NM_004973.4 (MANE Select); coding-DNA position 2323, A replaced by G.
Protein change: p.Lys775Glu; replaces lysine 775 with glutamic acid.
Molecular consequence: missense variant.
Genome position (GRCh38, 1-based): chr6:15,501,284, A>G. VCF-style: chr6-15501284-A-G. GRCh37 (hg19) VCF-style: chr6-15501515-A-G.
Other names: c.1807A>G, p.Lys603Glu (NM_001267040.1); short protein forms K603E, K775E.
Identifiers: ClinVar variation 2631591 (VCV002631591.1), dbSNP rs2533134568, ClinGen allele CA362799127.

ClinVar aggregate classification (germline): Uncertain significance (1 of 4 stars; one submission).

Conditions:
JARID2-related disorder. Also called: JARID2-related condition.

Submission:

PreventionGenetics, part of Exact Sciences
Classification: Uncertain significance for JARID2-related condition. Last evaluated: 2023-08-03. Review status: criteria provided, single submitter. Criteria: ACMG Guidelines, 2015. Collection method: clinical testing. Allele origin: germline.
Comment: The JARID2 c.2323A>G variant is predicted to result in the amino acid substitution p.Lys775Glu. To our knowledge, this variant has not been reported in the literature or in a large population database, indicating this variant is rare. At this time, the clinical significance of this variant is uncertain due to the absence of conclusive functional and genetic evidence.